The following is an entry in ClinVar:

ClinVar aggregate classification (germline): Uncertain significance (1 of 4 stars; one submission).

Submission:

Labcorp Genetics (formerly Invitae), Labcorp
Classification: Uncertain significance. Last evaluated: 2023-06-09. Review status: criteria provided, single submitter. Criteria: Invitae Variant Classification Sherloc (09022015). Collection method: clinical testing. Allele origin: germline.
Comment: This sequence change replaces arginine, which is basic and polar, with leucine, which is neutral and non-polar, at codon 139 of the GNRHR protein (p.Arg139Leu). This variant is not present in population databases (gnomAD no frequency). This variant has not been reported in the literature in individuals affected with GNRHR-related conditions. ClinVar contains an entry for this variant (Variation ID: 2009505). Advanced modeling of protein sequence and biophysical properties (such as structural, functional, and spatial information, amino acid conservation, physicochemical variation, residue mobility, and thermodynamic stability) performed at Invitae indicates that this missense variant is expected to disrupt GNRHR protein function. This variant disrupts the p.Arg139 amino acid residue in GNRHR. Other variant(s) that disrupt this residue have been determined to be pathogenic (PMID: 11397871, 22724017, 25016926, 26207952, 27544332). This suggests that this residue is clinically significant, and that variants that disrupt this residue are likely to be disease-causing. In summary, the available evidence is currently insufficient to determine the role of this variant in disease. Therefore, it has been classified as a Variant of Uncertain Significance.

Literature cited by the submitters: PubMed 11397871; PubMed 22724017; PubMed 25016926; PubMed 26207952; PubMed 27544332.

NM_000406.3(GNRHR):c.416G>T (p.Arg139Leu)

Gene: GNRHR (gonadotropin releasing hormone receptor; minus strand). Cytogenetic location: 4q13.2.
Variant type: single nucleotide variant.
Coding change: c.416G>T on transcript NM_000406.3 (MANE Select); coding-DNA position 416, G replaced by T.
Protein change: p.Arg139Leu; replaces arginine 139 with leucine.
Molecular consequence: missense variant.
Genome position (GRCh38, 1-based): chr4:67,753,920, C>A on the plus strand (G>T on the coding strand, the complement: GNRHR is on the minus strand). VCF-style: chr4-67753920-C-A. GRCh37 (hg19) VCF-style: chr4-68619638-C-A.
Other names: c.416G>T, p.Arg139Leu (NM_001012763.2); short protein forms R139L.
Identifiers: ClinVar variation 2009505 (VCV002009505.4), dbSNP rs104893842, ClinGen allele CA357054555.